The following is an entry in ClinVar:

NM_001382273.1(TNK2):c.2778G>A (p.Pro926=)

Gene: TNK2 (tyrosine kinase non receptor 2; minus strand). Cytogenetic location: 3q29.
Variant type: single nucleotide variant.
Coding change: c.2778G>A on transcript NM_001382273.1 (MANE Select); coding-DNA position 2778, G replaced by A.
Protein change: p.Pro926=; no amino-acid change (proline 926 retained).
Molecular consequence: synonymous variant. On other transcripts: non-coding transcript variant (15).
Genome position (GRCh38, 1-based): chr3:195,867,520, C>T on the plus strand (G>A on the coding strand, the complement: TNK2 is on the minus strand). VCF-style: chr3-195867520-C-T. GRCh37 (hg19) VCF-style: chr3-195594391-C-T.
Other names: c.2850G>A, p.Pro950= (NM_001010938.2, NM_001382272.1); c.2829G>A, p.Pro943= (NM_001308046.2, NM_001382271.1); c.2778G>A, p.Pro926= (NM_001382274.1, NM_001387716.1, NM_001387717.1 and 1 more transcripts); c.2874G>A, p.Pro958= (NM_001382275.1, NM_001387707.1); c.2733G>A, p.Pro911= (NM_001386164.1, NM_001387709.1, NM_001387710.1 and 8 more transcripts); c.2805G>A, p.Pro935= (NM_001387708.1, NM_001387715.1).
Identifiers: ClinVar variation 3049404 (VCV003049404.2), dbSNP rs373899133, ClinGen allele CA2775806.

ClinVar aggregate classification (germline): Likely benign (0 of 4 stars; one submission).

Conditions:
TNK2-related disorder. Also called: TNK2-related condition.

Allele frequency attached by ClinVar (database versions not stated): ESP Exome Variant Server 0.00008; gnomAD 0.00010; TOPMed 0.00010; ExAC 0.00012.
gnomAD v4.1: 285 of 1,427,730 alleles (0.02%); highest among the groups gnomAD compares: Middle Eastern, 0.053%; no homozygotes.

Submission:

PreventionGenetics, part of Exact Sciences
Classification: Likely benign for TNK2-related condition. Last evaluated: 2019-07-10. Review status: no assertion criteria provided. Collection method: clinical testing. Allele origin: germline.
Comment: This variant is classified as likely benign based on ACMG/AMP sequence variant interpretation guidelines (Richards et al. 2015 PMID: 25741868, with internal and published modifications).